The following is an entry in ClinVar:

NM_000334.4(SCN4A):c.291C>T (p.Asn97=)

Gene: SCN4A (sodium voltage-gated channel alpha subunit 4; minus strand). Cytogenetic location: 17q23.3.
Variant type: single nucleotide variant.
Coding change: c.291C>T on transcript NM_000334.4 (MANE Select); coding-DNA position 291, C replaced by T.
Protein change: p.Asn97=; no amino-acid change (asparagine 97 retained).
Molecular consequence: synonymous variant.
Genome position (GRCh38, 1-based): chr17:63,972,453, G>A on the plus strand (C>T on the coding strand, the complement: SCN4A is on the minus strand). VCF-style: chr17-63972453-G-A. GRCh37 (hg19) VCF-style: chr17-62049813-G-A.
Identifiers: ClinVar variation 1617066 (VCV001617066.10), dbSNP rs770919076, ClinGen allele CA8710208.

ClinVar aggregate classification (germline): Likely benign. Review status: criteria provided, single submitter (1 of 4 stars). 2 submissions from 2 submitters: Likely benign (1). 1 of the submissions does not count toward it. Last evaluated 2025-09-25.

Conditions:
SCN4A-related disorder. Also called: SCN4A-related disorders.
Hyperkalemic periodic paralysis. Also called: Familial hyperkalemic periodic paralysis; Gamstorp disease. Identifiers: Orphanet 682, MedGen C0238357, MONDO:0008224, OMIM 170500, HP:0007215.

Allele frequency attached by ClinVar (database versions not stated): gnomAD exomes below 0.00001 and 0.00001; gnomAD 0.00001; TOPMed 0.00001; ExAC 0.00003.

Submissions (2):

Labcorp Genetics (formerly Invitae), Labcorp
Classification: Likely benign for Hyperkalemic periodic paralysis. Last evaluated: 2025-09-25. Review status: criteria provided, single submitter. Criteria: Invitae Variant Classification Sherloc (09022015). Collection method: clinical testing. Allele origin: germline.

PreventionGenetics, part of Exact Sciences
Classification: Likely benign for SCN4A-related condition. Last evaluated: 2023-07-28. Review status: no assertion criteria provided. Collection method: clinical testing. Allele origin: germline. Not counted in ClinVar's aggregate classification.
Comment: This variant is classified as likely benign based on ACMG/AMP sequence variant interpretation guidelines (Richards et al. 2015 PMID: 25741868, with internal and published modifications).